The following is an entry in ClinVar:

NM_024928.5(STN1):c.60T>A (p.Asp20Glu)

Gene: STN1 (STN1 subunit of CST complex; minus strand). Cytogenetic location: 10q24.33.
Variant type: single nucleotide variant.
Coding change: c.60T>A on transcript NM_024928.5 (MANE Select); coding-DNA position 60, T replaced by A.
Protein change: p.Asp20Glu; replaces aspartic acid 20 with glutamic acid.
Molecular consequence: missense variant.
Genome position (GRCh38, 1-based): chr10:103,917,535, A>T on the plus strand (T>A on the coding strand, the complement: STN1 is on the minus strand). VCF-style: chr10-103917535-A-T. GRCh37 (hg19) VCF-style: chr10-105677293-A-T.
Other names: c.60T>A (NM_024928.4); short protein forms D20E.
Identifiers: ClinVar variation 1353977 (VCV001353977.7), dbSNP rs201173791, ClinGen allele CA5676743.
Genomic context (GRCh38, chr10:103,917,535, plus strand): 5'-GGACTCCTTCATGTCCAGGATATCCCTGATGTAGAGTTTTGCAAAGGCTAGAAACACAGG[A>T]TCCAAACCCCACAAGAGGGAAGGGGTCTCCTCTTCACACCGGCTGGATCCAGGCTGCATC-3'
Protein context (NP_079204.2, residues 10-30): EETPSLLWGL[Asp20Glu]PVFLAFAKLY

ClinVar aggregate classification (germline): Uncertain significance. Review status: criteria provided, multiple submitters, no conflicts (2 of 4 stars). 2 submissions from 2 submitters: Uncertain significance (2). Last evaluated 2025-08-20.

Conditions:
Inborn genetic diseases. Identifiers: MedGen C0950123, MeSH D030342.

Allele frequency attached by ClinVar (database versions not stated): 1000 Genomes Project 0.00020; 1000 Genomes Project 30x 0.00031; TOPMed below 0.00001; ExAC 0.00002; gnomAD exomes 0.00002 and 0.00003.
gnomAD v4.1: 10 of 1,614,146 alleles (0.00062%); highest among the groups gnomAD compares: Admixed American, 0.017%; no homozygotes.

Submissions (2):

Labcorp Genetics (formerly Invitae), Labcorp
Classification: Uncertain significance. Last evaluated: 2025-08-20. Review status: criteria provided, single submitter. Criteria: Invitae Variant Classification Sherloc (09022015). Collection method: clinical testing. Allele origin: germline.
Comment: This sequence change replaces aspartic acid, which is acidic and polar, with glutamic acid, which is acidic and polar, at codon 20 of the STN1 protein (p.Asp20Glu). This variant is present in population databases (rs201173791, gnomAD 0.02%). This variant has not been reported in the literature in individuals affected with STN1-related conditions. ClinVar contains an entry for this variant (Variation ID: 1353977). Invitae Evidence Modeling of protein sequence and biophysical properties (such as structural, functional, and spatial information, amino acid conservation, physicochemical variation, residue mobility, and thermodynamic stability) indicates that this missense variant is expected to disrupt STN1 protein function with a positive predictive value of 80%. In summary, the available evidence is currently insufficient to determine the role of this variant in disease. Therefore, it has been classified as a Variant of Uncertain Significance.

Ambry Genetics
Classification: Uncertain significance for Inborn genetic diseases. Last evaluated: 2025-06-29. Review status: criteria provided, single submitter. Criteria: Ambry Variant Classification Scheme 2023. Collection method: clinical testing. Allele origin: germline.